The following is an entry in ClinVar:

ClinVar aggregate classification (germline): Uncertain significance (1 of 4 stars; one submission).

Submission:

Labcorp Genetics (formerly Invitae), Labcorp
Classification: Uncertain significance. Last evaluated: 2024-07-15. Review status: criteria provided, single submitter. Criteria: Invitae Variant Classification Sherloc (09022015). Collection method: clinical testing. Allele origin: germline.
Comment: This sequence change replaces alanine, which is neutral and non-polar, with glycine, which is neutral and non-polar, at codon 217 of the EFTUD2 protein (p.Ala217Gly). This variant is not present in population databases (gnomAD no frequency). This variant has not been reported in the literature in individuals affected with EFTUD2-related conditions. Advanced modeling of protein sequence and biophysical properties (such as structural, functional, and spatial information, amino acid conservation, physicochemical variation, residue mobility, and thermodynamic stability) performed at Invitae indicates that this missense variant is expected to disrupt EFTUD2 protein function with a positive predictive value of 80%. In summary, the available evidence is currently insufficient to determine the role of this variant in disease. Therefore, it has been classified as a Variant of Uncertain Significance.

NM_004247.4(EFTUD2):c.650C>G (p.Ala217Gly)

Gene: EFTUD2 (elongation factor Tu GTP binding domain containing 2; minus strand). Cytogenetic location: 17q21.31.
Variant type: single nucleotide variant.
Coding change: c.650C>G on transcript NM_004247.4 (MANE Select); coding-DNA position 650, C replaced by G.
Protein change: p.Ala217Gly; replaces alanine 217 with glycine.
Molecular consequence: missense variant.
Genome position (GRCh38, 1-based): chr17:44,879,608, G>C on the plus strand (C>G on the coding strand, the complement: EFTUD2 is on the minus strand). VCF-style: chr17-44879608-G-C. GRCh37 (hg19) VCF-style: chr17-42956976-G-C.
Other names: c.545C>G, p.Ala182Gly (NM_001142605.2); c.650C>G, p.Ala217Gly (NM_001258353.2); c.620C>G, p.Ala207Gly (NM_001258354.2); short protein forms A182G, A207G, A217G.
Identifiers: ClinVar variation 3685457 (VCV003685457.2).